The following is an entry in ClinVar:

ClinVar aggregate classification (germline): Pathogenic/Likely pathogenic. Review status: criteria provided, multiple submitters, no conflicts (2 of 4 stars). 6 submissions from 6 submitters: Pathogenic (4); Likely pathogenic (1). 1 of the submissions does not count toward it. Last evaluated 2025-05-13.

Conditions:
Pyruvate dehydrogenase E1-alpha deficiency (PDHAD). Also called: ATAXIA, INTERMITTENT, WITH PYRUVATE DEHYDROGENASE DEFICIENCY; ATAXIA WITH LACTIC ACIDOSIS I; ATAXIA, INTERMITTENT, WITH ABNORMAL PYRUVATE METABOLISM; Ataxia, intermittent, with pyruvate dehydrogenase, or decarboxylase, deficiency. Identifiers: Orphanet 79243, MedGen C1839413, MONDO:0010717, OMIM 312170.
PDHA1-related disorder. Also called: PDHA1-related condition.

Submissions (6):

GeneDx
Classification: Pathogenic. Last evaluated: 2025-05-13. Review status: criteria provided, single submitter. Criteria: GeneDx Variant Classification Process June 2021. Collection method: clinical testing. Allele origin: germline. Affected: yes.
Comment: Not observed at significant frequency in large population cohorts (gnomAD); In silico analysis supports that this missense variant has a deleterious effect on protein structure/function; This variant is associated with the following publications: (PMID: 34052969, 37422902, 39417332, 17043409)

Blueprint Genetics
Classification: Likely pathogenic for PDHA1-related disorders. Last evaluated: 2021-02-04. Review status: criteria provided, single submitter. Criteria: ACMG Guidelines, 2015. Collection method: clinical testing. Allele origin: de novo. Affected: yes. Observed: 1 variant allele.

Elsea Laboratory, Baylor College of Medicine
Classification: Pathogenic for Pyruvate dehydrogenase E1-alpha deficiency. Last evaluated: 2020-04-01. Review status: criteria provided, single submitter. Criteria: ACMG Guidelines, 2015. Collection method: clinical testing. Allele origin: de novo. Affected: yes.

Baylor Genetics
Classification: Pathogenic for Pyruvate dehydrogenase E1-alpha deficiency. Last evaluated: 2017-09-01. Review status: criteria provided, single submitter. Criteria: ACMG Guidelines, 2015. Collection method: clinical testing. Allele origin: germline. Inheritance: X-linked inheritance. Affected: yes.

3billion
Classification: Pathogenic for Pyruvate dehydrogenase E1-alpha deficiency. Review status: criteria provided, single submitter. Criteria: ACMG Guidelines, 2015. Collection method: clinical testing. Allele origin: unknown. Affected: yes. Observed: 1 heterozygote.
Comment: The variant is not observed in the gnomAD v2.1.1 dataset. Missense changes are a common disease-causing mechanism. Functional studies provide moderate evidence of having a damaging effect on the gene or gene product (PMID: 17043409). In silico tool predictions suggest damaging effect of the variant on gene or gene product (REVEL: 0.98; 3Cnet: 0.93). The same nucleotide change resulting in the same amino acid change has been previously reported as pathogenic/likely pathogenic with strong evidence (ClinVar ID: VCV000560929/PMID: 17043409/3billion dataset). Therefore, this variant is classified as pathogenic according to the recommendation of ACMG/AMP guideline.

PDHA1 Study Group, University Children’s Hospital, Paracelsus Medical University
Classification: Likely pathogenic for Pyruvate dehydrogenase E1-alpha deficiency. Last evaluated: 2024-10-15. Review status: no assertion criteria provided. Collection method: research. Allele origin: de novo. Affected: yes. Observed: 2 variant alleles. Not counted in ClinVar's aggregate classification.
Comment: The NM_000284.3:c.482A>G (p.Tyr161Cys) substitution is a missense variant in PDHA1 gene. In total, 2 individuals were diagnosed with PDHA1-related Pyruvate dehydrogenase complex (PDHc) deficiency (MIM #312170). Among them, 1 case had confirmed de novo occurrence. The variant has been reported in 1 published case (PMIDs: 17043409). Last literature search: July 12, 2024. This variant is absent or extremely rare in population-based cohorts in the Genome Aggregation Database (gnomAD). Individuals harboring this variant presented with clinical features compatible with PDHA1-related PDHc deficiency. In summary, this variant meets criteria to be classified as likely pathogenic (LP) for PDHA1-related PDHc deficiency based on the ACMG/AMP criteria applied: PM1, PM2, PM7, PP3 (last assessment October 15, 2024).

Literature cited by the submitters: PubMed 17043409 (cited by 3 submitters); PubMed 25326635 (cited by Baylor Genetics); DOI 10.1093/brain/awaf430 (cited by PDHA1 Study Group, University Children’s Hospital, Paracelsus Medical University).

NM_000284.4(PDHA1):c.482A>G (p.Tyr161Cys)

Gene: PDHA1 (pyruvate dehydrogenase E1 subunit alpha 1; plus strand). Cytogenetic location: Xp22.12.
Variant type: single nucleotide variant.
Coding change: c.482A>G on transcript NM_000284.4 (MANE Select); coding-DNA position 482, A replaced by G.
Protein change: p.Tyr161Cys; replaces tyrosine 161 with cysteine.
Molecular consequence: missense variant.
Genome position (GRCh38, 1-based): chrX:19,353,145, A>G. VCF-style: chrX-19353145-A-G. GRCh37 (hg19) VCF-style: chrX-19371263-A-G.
Other names: c.596A>G, p.Tyr199Cys (NM_001173454.2); c.503A>G, p.Tyr168Cys (NM_001173455.2); c.482A>G, p.Tyr161Cys (NM_001173456.2); short protein forms Y161C, Y199C, Y168C.
Identifiers: ClinVar variation 560929 (VCV000560929.10), dbSNP rs1569190962, ClinGen allele CA412393316.
Genomic context (GRCh38, chrX:19,353,145, plus strand): 5'-GAAAAGGAGGTTGTGCTAAAGGGAAAGGAGGATCGATGCACATGTATGCCAAGAACTTCT[A>G]CGGGGGCAATGGCATCGTGGGAGCGCAGGTAGTCAAGGACGAGGATTGTGTGCTGCTTTA-3'
Protein context (NP_000275.1, residues 151-171): GSMHMYAKNF[Tyr161Cys]GGNGIVGAQV